The following is an entry in ClinVar:

NM_001300785.1(MTTP):c.32G>A

Genes: MTTP (microsomal triglyceride transfer protein; plus strand), LOC126807124 (BRD4-independent group 4 enhancer GRCh37_chr4:100484300-100485499; plus strand). Cytogenetic location: 4q23.
Variant type: single nucleotide variant.
Coding change: c.32G>A on transcript NM_001300785.1; coding-DNA position 32, G replaced by A.
Genome position (GRCh38, 1-based): chr4:99,564,127, G>A. VCF-style: chr4-99564127-G-A. GRCh37 (hg19) VCF-style: chr4-100485284-G-A.
Identifiers: ClinVar variation 4967886 (VCV004967886.2).

ClinVar aggregate classification (germline): Likely benign. Review status: criteria provided, multiple submitters, no conflicts (2 of 4 stars). 2 submissions from 2 submitters: Likely benign (2). Last evaluated 2025-12-11.

Conditions:
MTTP-related disorder. Also called: MTTP-related condition.

Submissions (2):

PreventionGenetics, part of Exact Sciences
Classification: Likely benign for MTTP-related condition. Last evaluated: 2025-12-11. Review status: criteria provided, single submitter. Criteria: ACMG Guidelines, 2015. Collection method: clinical testing. Allele origin: germline.
Comment: This variant is classified as likely benign based on ACMG/AMP sequence variant interpretation guidelines (Richards et al. 2015 PMID: 25741868, with internal and published modifications).

Blueprint Genetics
Classification: Likely benign. Last evaluated: 2024-10-24. Review status: criteria provided, single submitter. Criteria: ACMG Guidelines, 2015. Collection method: clinical testing. Allele origin: germline.